The following is an entry in ClinVar:

ClinVar aggregate classification (germline): Uncertain significance (1 of 4 stars; one submission).

Allele frequency attached by ClinVar (database versions not stated): gnomAD exomes 0.00001.
gnomAD v4.1: 9 of 1,601,068 alleles (0.00056%); highest among the groups gnomAD compares: Non-Finnish European, 0.00068%; no homozygotes.

Submission:

Labcorp Genetics (formerly Invitae), Labcorp
Classification: Uncertain significance. Last evaluated: 2023-02-09. Review status: criteria provided, single submitter. Criteria: Invitae Variant Classification Sherloc (09022015). Collection method: clinical testing. Allele origin: germline.
Comment: This sequence change replaces asparagine, which is neutral and polar, with aspartic acid, which is acidic and polar, at codon 380 of the NARS1 protein (p.Asn380Asp). This variant is not present in population databases (gnomAD no frequency). This variant has not been reported in the literature in individuals affected with NARS1-related conditions. Algorithms developed to predict the effect of missense changes on protein structure and function (SIFT, PolyPhen-2, Align-GVGD) all suggest that this variant is likely to be tolerated. In summary, the available evidence is currently insufficient to determine the role of this variant in disease. Therefore, it has been classified as a Variant of Uncertain Significance.

NM_004539.4(NARS1):c.1138A>G (p.Asn380Asp)

Gene: NARS1 (asparaginyl-tRNA synthetase 1; minus strand). Cytogenetic location: 18q21.31.
Variant type: single nucleotide variant.
Coding change: c.1138A>G on transcript NM_004539.4 (MANE Select); coding-DNA position 1138, A replaced by G.
Protein change: p.Asn380Asp; replaces asparagine 380 with aspartic acid.
Molecular consequence: missense variant.
Genome position (GRCh38, 1-based): chr18:57,605,970, T>C on the plus strand (A>G on the coding strand, the complement: NARS1 is on the minus strand). VCF-style: chr18-57605970-T-C. GRCh37 (hg19) VCF-style: chr18-55273202-T-C.
Other names: short protein forms N380D.
Identifiers: ClinVar variation 2835862 (VCV002835862.3), dbSNP rs2511569082, ClinGen allele CA402545662.
Genomic context (GRCh38, chr18:57,605,970, plus strand): 5'-GCCAAACGATAGCATCTGAATAGTTCATCCGTTTGAAAGGCCGTTTGGGGGGCTGAAAGT[T>C]CTACAGAAGAAAGGAAAAATATAATGTGTATATATACATAAATATAAACATTAACACTAA-3'
Protein context (NP_004530.1, residues 370-390): AGSIVHELNP[Asn380Asp]FQPPKRPFKR